The following is an entry in ClinVar:

ClinVar aggregate classification (germline): Uncertain significance (1 of 4 stars; one submission).

Submission:

GeneDx
Classification: Uncertain significance. Last evaluated: 2023-04-17. Review status: criteria provided, single submitter. Criteria: GeneDx Variant Classification Process June 2021. Collection method: clinical testing. Allele origin: germline. Affected: yes.
Comment: Not observed at significant frequency in large population cohorts (gnomAD); In silico analysis supports that this missense variant has a deleterious effect on protein structure/function; Has not been previously published as pathogenic or benign to our knowledge

NM_022089.4(ATP13A2):c.3055G>C (p.Gly1019Arg)

Gene: ATP13A2 (ATPase cation transporting 13A2; minus strand). Cytogenetic location: 1p36.13.
Variant type: single nucleotide variant.
Coding change: c.3055G>C on transcript NM_022089.4 (MANE Select); coding-DNA position 3055, G replaced by C.
Protein change: p.Gly1019Arg; replaces glycine 1019 with arginine.
Molecular consequence: missense variant.
Genome position (GRCh38, 1-based): chr1:16,987,074, C>G on the plus strand (G>C on the coding strand, the complement: ATP13A2 is on the minus strand). VCF-style: chr1-16987074-C-G. GRCh37 (hg19) VCF-style: chr1-17313569-C-G.
Other names: c.3040G>C, p.Gly1014Arg (NM_001141973.3); c.2923G>C, p.Gly975Arg (NM_001141974.3); short protein forms G1014R, G1019R, G975R.
Identifiers: ClinVar variation 2663468 (VCV002663468.1), dbSNP rs765075611, ClinGen allele CA338234395.